The following is an entry in ClinVar:

ClinVar aggregate classification (germline): Uncertain significance (1 of 4 stars; one submission).

Conditions:
POLD1-related polyposis and colorectal cancer syndrome (CRCS10). Also called: Colorectal cancer 10; COLORECTAL CANCER, SUSCEPTIBILITY TO, ON CHROMOSOME 19q; Colorectal cancer, susceptibility to, 10. Identifiers: Orphanet 220460, MedGen C2675481, MONDO:0012953, OMIM 612591.

Submission:

Labcorp Genetics (formerly Invitae), Labcorp
Classification: Uncertain significance for POLD1-related polyposis and colorectal cancer syndrome. Last evaluated: 2025-05-27. Review status: criteria provided, single submitter. Criteria: Invitae Variant Classification Sherloc (09022015). Collection method: clinical testing. Allele origin: germline.
Comment: This sequence change replaces phenylalanine, which is neutral and non-polar, with isoleucine, which is neutral and non-polar, at codon 1099 of the POLD1 protein (p.Phe1099Ile). This variant is not present in population databases (gnomAD no frequency). This variant has not been reported in the literature in individuals affected with POLD1-related conditions. ClinVar contains an entry for this variant (Variation ID: 1016459). Invitae Evidence Modeling of protein sequence and biophysical properties (such as structural, functional, and spatial information, amino acid conservation, physicochemical variation, residue mobility, and thermodynamic stability) has been performed for this missense variant. However, the output from this modeling did not meet the statistical confidence thresholds required to predict the impact of this variant on POLD1 protein function. In summary, the available evidence is currently insufficient to determine the role of this variant in disease. Therefore, it has been classified as a Variant of Uncertain Significance.

NM_002691.4(POLD1):c.3295T>A (p.Phe1099Ile)

Gene: POLD1 (DNA polymerase delta 1, catalytic subunit; plus strand). Cytogenetic location: 19q13.33.
Variant type: single nucleotide variant.
Coding change: c.3295T>A on transcript NM_002691.4 (MANE Select); coding-DNA position 3295, T replaced by A.
Protein change: p.Phe1099Ile; replaces phenylalanine 1099 with isoleucine.
Molecular consequence: missense variant. On other transcripts: non-coding transcript variant (1).
Genome position (GRCh38, 1-based): chr19:50,417,918, T>A. VCF-style: chr19-50417918-T-A. GRCh37 (hg19) VCF-style: chr19-50921175-T-A.
Other names: c.3295T>A, p.Phe1099Ile (NM_001256849.1); c.3373T>A, p.Phe1125Ile (NM_001308632.1); short protein forms F1099I, F1125I.
Identifiers: ClinVar variation 1016459 (VCV001016459.8), dbSNP rs756287064, ClinGen allele CA406987857.